The following is an entry in ClinVar:

NM_001458.5(FLNC):c.2560G>A (p.Ala854Thr)

Gene: FLNC (filamin C; plus strand). Cytogenetic location: 7q32.1.
Variant type: single nucleotide variant.
Coding change: c.2560G>A on transcript NM_001458.5 (MANE Select); coding-DNA position 2560, G replaced by A.
Protein change: p.Ala854Thr; replaces alanine 854 with threonine.
Molecular consequence: missense variant.
Genome position (GRCh38, 1-based): chr7:128,843,238, G>A. VCF-style: chr7-128843238-G-A. GRCh37 (hg19) VCF-style: chr7-128483292-G-A.
Other names: p.Ala854Thr; c.2560G>A, p.Ala854Thr (NM_001127487.2); short protein forms A854T.
Identifiers: ClinVar variation 576720 (VCV000576720.11), dbSNP rs749855792, ClinGen allele CA4474782.
Genomic context (GRCh38, chr7:128,843,238, plus strand): 5'-GCAGGGGTGTGTTCCCCTCGAGAGCCCTGACTGAGCCTCCTCCACATCCAGGAGATCCCC[G>A]CCAGCCCCTTCCACATCAAGGTGGACCCATCCCACGATGCCAGCAAAGTCAAGGCCGAGG-3'
Protein context (NP_001449.3, residues 844-864): MVLFANQEIP[Ala854Thr]SPFHIKVDPS

ClinVar aggregate classification (germline): Uncertain significance. Review status: criteria provided, multiple submitters, no conflicts (2 of 4 stars). 3 submissions from 3 submitters: Uncertain significance (3). Last evaluated 2025-07-14.

Conditions:
Distal myopathy with posterior leg and anterior hand involvement. Also called: WILLIAMS DISTAL MYOPATHY. Identifiers: Orphanet 63273, MedGen C3279722, MONDO:0013550, OMIM 614065.
Myofibrillar myopathy 5. Also called: FILAMINOPATHY, AUTOSOMAL DOMINANT; Filaminopathy (type). Identifiers: Orphanet 171445, MedGen C1836050, MONDO:0012289, OMIM 609524.
Hypertrophic cardiomyopathy 26. Also called: Cardiomyopathy, familial hypertrophic, 26. Identifiers: Orphanet 75249, MedGen C4310749, MONDO:0014883, OMIM 617047.

Allele frequency attached by ClinVar (database versions not stated): TOPMed below 0.00001; gnomAD exomes 0.00002; ExAC 0.00007.
gnomAD v4.1: 11 of 1,599,286 alleles (0.00069%); highest among the groups gnomAD compares: Admixed American, 0.0052%; no homozygotes.

Submissions (3):

Labcorp Genetics (formerly Invitae), Labcorp
Classification: Uncertain significance for Distal myopathy with posterior leg and anterior hand involvement; Myofibrillar myopathy 5; Hypertrophic cardiomyopathy 26. Last evaluated: 2025-07-14. Review status: criteria provided, single submitter. Criteria: Invitae Variant Classification Sherloc (09022015). Collection method: clinical testing. Allele origin: germline.
Comment: This sequence change replaces alanine, which is neutral and non-polar, with threonine, which is neutral and polar, at codon 854 of the FLNC protein (p.Ala854Thr). The frequency data for this variant in the population databases is considered unreliable, as metrics indicate poor data quality at this position in the gnomAD database. This variant has not been reported in the literature in individuals affected with FLNC-related conditions. ClinVar contains an entry for this variant (Variation ID: 576720). Invitae Evidence Modeling of protein sequence and biophysical properties (such as structural, functional, and spatial information, amino acid conservation, physicochemical variation, residue mobility, and thermodynamic stability) has been performed for this missense variant. However, the output from this modeling did not meet the statistical confidence thresholds required to predict the impact of this variant on FLNC protein function. In summary, the available evidence is currently insufficient to determine the role of this variant in disease. Therefore, it has been classified as a Variant of Uncertain Significance.

Mayo Clinic Laboratories, Mayo Clinic
Classification: Uncertain significance. Last evaluated: 2025-03-19. Review status: criteria provided, single submitter. Criteria: ACMG Guidelines, 2015. Collection method: clinical testing. Allele origin: germline. Observed: 1 variant allele.
Comment: BP4

GeneDx
Classification: Uncertain significance. Last evaluated: 2019-07-15. Review status: criteria provided, single submitter. Criteria: GeneDx Variant Classification Process June 2021. Collection method: clinical testing. Allele origin: germline. Affected: yes.
Comment: Has not been previously published as pathogenic or benign to our knowledge; Reported in ClinVar as a variant of uncertain significance but additional evidence is not available (ClinVar Variant ID#576720; Landrum et al., 2016); Not observed in large population cohorts (Lek et al., 2016); In silico analysis, which includes protein predictors and evolutionary conservation, supports that this variant does not alter protein structure/function